The following is an entry in ClinVar:

ClinVar aggregate classification (germline): Likely benign. Review status: criteria provided, single submitter (1 of 4 stars). 2 submissions from 2 submitters: Likely benign (1). 1 of the submissions does not count toward it. Last evaluated 2025-07-04.

Conditions:
PPARG-related disorder. Also called: PPARG-related condition; PPARG-related disorders.

Allele frequency attached by ClinVar (database versions not stated): gnomAD exomes 0.00002; ExAC 0.00007; 1000 Genomes Project 30x 0.00031; ESP Exome Variant Server 0.00031; gnomAD 0.00035; TOPMed 0.00039; 1000 Genomes Project 0.00040.
gnomAD v4.1: 83 of 1,614,036 alleles (0.0051%); highest among the groups gnomAD compares: African/African-American, 0.1%; no homozygotes.

Submissions (2):

Labcorp Genetics (formerly Invitae), Labcorp
Classification: Likely benign. Last evaluated: 2025-07-04. Review status: criteria provided, single submitter. Criteria: Invitae Variant Classification Sherloc (09022015). Collection method: clinical testing. Allele origin: germline.

PreventionGenetics, part of Exact Sciences
Classification: Uncertain significance for PPARG-related condition. Last evaluated: 2024-09-28. Review status: no assertion criteria provided. Collection method: clinical testing. Allele origin: germline. Not counted in ClinVar's aggregate classification.
Comment: The PPARG c.133A>T variant is predicted to result in the amino acid substitution p.Ile45Phe. This variant has been found in the controls cohort of a case-control study of type 2 diabetes and interpreted as benign; however, obesity status was not noted (Majithia et al. 2014. PubMed ID: 25157153). This variant is reported in 0.092% of alleles in individuals of African descent in gnomAD. Although we suspect that this variant may be benign, at this time, the clinical significance of this variant is uncertain due to the absence of conclusive functional and genetic evidence.

NM_138711.6(PPARG):c.43A>T (p.Ile15Phe)

Gene: PPARG (peroxisome proliferator activated receptor gamma; plus strand). Cytogenetic location: 3p25.2.
Variant type: single nucleotide variant.
Coding change: c.43A>T on transcript NM_138711.6 (MANE Select); coding-DNA position 43, A replaced by T.
Protein change: p.Ile15Phe; replaces isoleucine 15 with phenylalanine.
Molecular consequence: missense variant. On other transcripts: 5 prime UTR variant (1).
Genome position (GRCh38, 1-based): chr3:12,379,754, A>T. VCF-style: chr3-12379754-A-T. GRCh37 (hg19) VCF-style: chr3-12421253-A-T.
Other names: c.43A>T, p.Ile15Phe (NM_001330615.4, NM_001354666.3, NM_001354667.3 and 6 more transcripts); c.133A>T, p.Ile45Phe (NM_001354668.2, NM_001374265.1, NM_015869.5); c.-385A>T (NM_001354669.2); c.49A>T, p.Ile17Phe (NM_001354670.2, NM_001374266.1); short protein forms I15F, I17F, I45F.
Identifiers: ClinVar variation 2630467 (VCV002630467.5), dbSNP rs143370807, ClinGen allele CA2258083.